The following is an entry in ClinVar:

ClinVar aggregate classification (germline): Uncertain significance (1 of 4 stars; one submission).

Conditions:
Neuropathy, hereditary sensory, type 2C. Also called: KIF1A-Related HSAN2 (HSAN2C); Hereditary sensory and autonomic neuropathy type IIC. Identifiers: Orphanet 970, MedGen C3280168, MONDO:0013634, OMIM 614213.
Hereditary spastic paraplegia 30. Identifiers: Orphanet 101010, MedGen C5235139, MONDO:0012476.
Intellectual disability, autosomal dominant 9 (NESCAVS). Also called: KIF1A-Related Neurodevelopmental Disorder; NESCAV SYNDROME. Identifiers: Orphanet 662367, MedGen C5393830, MONDO:0013656, OMIM 614255.

Submission:

Labcorp Genetics (formerly Invitae), Labcorp
Classification: Uncertain significance for Hereditary spastic paraplegia 30; Neuropathy, hereditary sensory, type 2C; Intellectual disability, autosomal dominant 9. Last evaluated: 2024-05-01. Review status: criteria provided, single submitter. Criteria: Invitae Variant Classification Sherloc (09022015). Collection method: clinical testing. Allele origin: germline.
Comment: This sequence change falls in intron 38 of the KIF1A gene. It does not directly change the encoded amino acid sequence of the KIF1A protein. It affects a nucleotide within the consensus splice site. This variant is not present in population databases (gnomAD no frequency). This variant has not been reported in the literature in individuals affected with KIF1A-related conditions. Variants that disrupt the consensus splice site are a relatively common cause of aberrant splicing (PMID: 17576681, 9536098). Algorithms developed to predict the effect of sequence changes on RNA splicing suggest that this variant is not likely to affect RNA splicing. In summary, the available evidence is currently insufficient to determine the role of this variant in disease. Therefore, it has been classified as a Variant of Uncertain Significance.

Literature cited by the submitters: PubMed 17576681; PubMed 9536098.

NM_001244008.2(KIF1A):c.4318+3A>G

Gene: KIF1A (kinesin family member 1A; minus strand). Cytogenetic location: 2q37.3.
Variant type: single nucleotide variant.
Coding change: c.4318+3A>G on transcript NM_001244008.2 (MANE Select); 3 bases into the intron after coding-DNA position 4318, A replaced by G.
Molecular consequence: intron variant.
Genome position (GRCh38, 1-based): chr2:240,723,972, T>C on the plus strand (A>G on the coding strand, the complement: KIF1A is on the minus strand). VCF-style: chr2-240723972-T-C. GRCh37 (hg19) VCF-style: chr2-241663389-T-C.
Other names: c.4015+3A>G (NM_001379653.1, NM_001379650.1, NM_001379641.1 and 2 more transcripts); c.4291+3A>G (NM_001379645.1, NM_001379633.1); c.4141+3A>G (NM_001379635.1, NM_001379646.1); c.4012+3A>G (NM_001379640.1); c.4039+3A>G (NM_001379639.1); c.4042+3A>G (NM_001379649.1, NM_001320705.2); c.4129+3A>G (NM_001379636.1); c.4294+3A>G (NM_001379632.1); and 7 more.
Identifiers: ClinVar variation 3756127 (VCV003756127.2).